The following is an entry in ClinVar:

NM_197968.4(ZMYM2):c.722T>C (p.Ile241Thr)

Gene: ZMYM2 (zinc finger MYM-type containing 2; plus strand). Cytogenetic location: 13q12.11.
Variant type: single nucleotide variant.
Coding change: c.722T>C on transcript NM_197968.4 (MANE Select); coding-DNA position 722, T replaced by C.
Protein change: p.Ile241Thr; replaces isoleucine 241 with threonine.
Molecular consequence: missense variant. On other transcripts: non-coding transcript variant (1), intron variant (2).
Genome position (GRCh38, 1-based): chr13:19,993,794, T>C. VCF-style: chr13-19993794-T-C. GRCh37 (hg19) VCF-style: chr13-20567934-T-C.
Other names: c.722T>C, p.Ile241Thr (NM_001353165.2, NM_003453.6, NM_001190964.4 and 5 more transcripts); c.493-32T>C (NM_001353163.2); c.559-32T>C (NM_001353161.3); short protein forms I241T.
Identifiers: ClinVar variation 4874286 (VCV004874286.2).

ClinVar aggregate classification (germline): Likely benign (1 of 4 stars; one submission).

gnomAD v4.1: 20 of 1,614,188 alleles (0.0012%); highest among the groups gnomAD compares: Non-Finnish European, 0.0017%; no homozygotes.

Submission:

CeGaT Center for Human Genetics Tuebingen
Classification: Likely benign. Last evaluated: 2026-04-01. Review status: criteria provided, single submitter. Criteria: CeGaT Center For Human Genetics Tuebingen Variant Classification Criteria Version 2. Collection method: clinical testing. Allele origin: germline. Affected: yes. Observed: 1 variant allele.
Comment: ZMYM2: BP4